The following is an entry in ClinVar:

NM_007194.4(CHEK2):c.86_90del (p.Gln29fs)

Gene: CHEK2 (checkpoint kinase 2; minus strand). Cytogenetic location: 22q12.1.
Variant type: Deletion.
Coding change: c.86_90del on transcript NM_007194.4 (MANE Select); coding-DNA positions 86 to 90, 5 bases deleted (AAGGC; older notation c.86_90delAAGGC).
Protein change: p.Gln29fs; shifts the reading frame from glutamine 29.
Molecular consequence: frameshift variant.
Genome position (GRCh38, 1-based): chr22:28,734,632-28,734,636, GCCTT deleted on the plus strand (AAGGC on the coding strand, the reverse complement: CHEK2 is on the minus strand); deleting any 5 consecutive bases within chr22:28,734,632-28,734,637 gives the same sequence; the c. name uses the placement nearest the transcript's 3' end. VCF-style (leftmost placement, unchanged base first): chr22-28734631-AGCCTT-A. GRCh37 (hg19) VCF-style: chr22-29130619-AGCCTT-A.
Other names: c.85_89delCAAGG, p.Gln29Leufs (NM_001005735.3, NM_001349956.3, NM_145862.3); c.-693_-689delCAAGG (NM_001257387.3); c.86_90del (NM_007194.3); short protein forms Q29fs.
Identifiers: ClinVar variation 491649 (VCV000491649.3), dbSNP rs1555932735, ClinGen allele CA658684267.
Genomic context (GRCh38, chr22:28,734,631, plus strand): 5'-GGCTGGAGTTTGGCATCGTGCTGGTAGAGGAGCTGGATATGCCCTGGGACTGTGAGGAGG[AGCCTT>A]GGGACTGGGTAACGCTGCCATGGGGCTGTGAACAGGCACTGCTGCCATGAGACTGCTGAG-3'

ClinVar aggregate classification (germline): Pathogenic (1 of 4 stars; one submission).

Conditions:
Hereditary cancer-predisposing syndrome. Also called: Hereditary neoplastic syndrome; Tumor predisposition; Hereditary Cancer Syndrome; Neoplastic Syndromes, Hereditary. Identifiers: Orphanet 140162, MedGen C0027672, MeSH D009386, MONDO:0015356.

Submission:

Color Diagnostics, LLC DBA Color Health
Classification: Pathogenic for Hereditary cancer-predisposing syndrome. Last evaluated: 2020-09-02. Review status: criteria provided, single submitter. Criteria: ACMG Guidelines, 2015. Collection method: clinical testing. Allele origin: germline.
Comment: This variant deletes 5 nucleotides in exon 2 of the CHEK2 gene, creating a frameshift and premature translation stop signal. This variant is expected to result in an absent or non-functional protein product. To our knowledge, this variant has not been reported in individuals affected with hereditary cancer in the literature. This variant has not been identified in the general population by the Genome Aggregation Database (gnomAD). Loss of CHEK2 function is a known mechanism of disease. Based on the available evidence, this variant is classified as Pathogenic.